The following is an entry in ClinVar:

NM_003970.4(MYOM2):c.1554C>T (p.His518=)

Gene: MYOM2 (myomesin 2; plus strand). Cytogenetic location: 8p23.3.
Variant type: single nucleotide variant.
Coding change: c.1554C>T on transcript NM_003970.4 (MANE Select); coding-DNA position 1554, C replaced by T.
Protein change: p.His518=; no amino-acid change (histidine 518 retained).
Molecular consequence: synonymous variant.
Genome position (GRCh38, 1-based): chr8:2,085,300, C>T. VCF-style: chr8-2085300-C-T. GRCh37 (hg19) VCF-style: chr8-2033432-C-T.
Identifiers: ClinVar variation 3040397 (VCV003040397.2), dbSNP rs146479506, ClinGen allele CA170452935.

ClinVar aggregate classification (germline): Likely benign (0 of 4 stars; one submission).

Conditions:
MYOM2-related disorder. Also called: MYOM2-related condition.

Allele frequency attached by ClinVar (database versions not stated): 1000 Genomes Project 30x 0.00016; 1000 Genomes Project 0.00020; ESP Exome Variant Server 0.00038.
gnomAD v4.1: 319 of 1,614,162 alleles (0.02%); highest among the groups gnomAD compares: African/African-American, 0.039%; no homozygotes.

Submission:

PreventionGenetics, part of Exact Sciences
Classification: Likely benign for MYOM2-related condition. Last evaluated: 2019-09-17. Review status: no assertion criteria provided. Collection method: clinical testing. Allele origin: germline.
Comment: This variant is classified as likely benign based on ACMG/AMP sequence variant interpretation guidelines (Richards et al. 2015 PMID: 25741868, with internal and published modifications).